The following is an entry in ClinVar:

NM_017654.4(SAMD9):c.2377C>G (p.Pro793Ala)

Gene: SAMD9 (sterile alpha motif domain containing 9; minus strand). Cytogenetic location: 7q21.2.
Variant type: single nucleotide variant.
Coding change: c.2377C>G on transcript NM_017654.4 (MANE Select); coding-DNA position 2377, C replaced by G.
Protein change: p.Pro793Ala; replaces proline 793 with alanine.
Molecular consequence: missense variant.
Genome position (GRCh38, 1-based): chr7:93,103,721, G>C on the plus strand (C>G on the coding strand, the complement: SAMD9 is on the minus strand). VCF-style: chr7-93103721-G-C. GRCh37 (hg19) VCF-style: chr7-92733034-G-C.
Other names: c.2377C>G, p.Pro793Ala (NM_001193307.2); short protein forms P793A.
Identifiers: ClinVar variation 3949646 (VCV003949646.1).

ClinVar aggregate classification (germline): Uncertain significance (1 of 4 stars; one submission).

Conditions:
Inborn genetic diseases. Identifiers: MedGen C0950123, MeSH D030342.

gnomAD v4.1: 1 of 1,613,732 alleles (0.000062%); highest among the groups gnomAD compares: Non-Finnish European, 0.000085%; no homozygotes.

Submission:

Ambry Genetics
Classification: Uncertain significance for Inborn genetic diseases. Last evaluated: 2025-05-18. Review status: criteria provided, single submitter. Criteria: Ambry Variant Classification Scheme 2023. Collection method: clinical testing. Allele origin: germline.
Comment: The p.P793A variant (also known as c.2377C>G), located in coding exon 1 of the SAMD9 gene, results from a C to G substitution at nucleotide position 2377. The proline at codon 793 is replaced by alanine, an amino acid with highly similar properties. This amino acid position is conserved. In addition, the in silico prediction for this alteration is inconclusive. Based on the available evidence, the clinical significance of this variant remains unclear.